The following is an entry in ClinVar:

ClinVar aggregate classification (germline): Pathogenic/Likely pathogenic. Review status: criteria provided, multiple submitters, no conflicts (2 of 4 stars). 4 submissions from 4 submitters: Pathogenic (1); Likely pathogenic (3). Last evaluated 2026-03-19.

Conditions:
COL4A3-related disorder. Also called: COL4A3-Related Disorders; COL4A3-related condition.
Alport syndrome 3b, autosomal recessive. Identifiers: MedGen C5882699, MONDO:0957811, OMIM 620536.
Autosomal dominant Alport syndrome (ATS3A). Also called: Alport syndrome dominant type; Renal failure and sensorineural hearing loss; ALPORT SYNDROME 3A, AUTOSOMAL DOMINANT. Identifiers: Orphanet 63, Orphanet 88918, MedGen C5882663, MONDO:0007086, OMIM 104200.

Allele frequency attached by ClinVar (database versions not stated): gnomAD exomes below 0.00001; ESP Exome Variant Server 0.00008.
gnomAD v4.1: 1 of 1,613,962 alleles (0.000062%); highest among the groups gnomAD compares: Non-Finnish European, 0.000085%; no homozygotes.

Submissions (4):

Centre de Génétique Humaine, Institut de Pathologie Et de Génétique
Classification: Likely pathogenic for Alport syndrome 3b, autosomal recessive. Last evaluated: 2026-03-19. Review status: criteria provided, single submitter. Criteria: ACMG Guidelines, 2015. Collection method: clinical testing. Allele origin: germline. Inheritance: Autosomal recessive inheritance. Affected: yes. Observed: 1 variant allele, 1 homozygote. Segregation with disease not observed.
Comment: This missense variant involves a highly conserved glycine located in a ‘Gly-X-Y’ motif in collagenous region, which is characteristic of the pathogenic variants identified in the COL4A3 gene (PM1,PP2). This variant is rare: allelic frequency of 0.00006% in gnomAD v4.1.0 database (PM2); In silico analysis supports that this missense variant has a deleterious effect (PP3). Another missense variant affecting the same residue described as disease causing : c.794G>A, p.Gly265Glu described PMID: 24052634 (PM5).Described in ClinVar as LP.

MVZ Medizinische Genetik Mainz
Classification: Pathogenic for Autosomal dominant Alport syndrome. Last evaluated: 2024-11-19. Review status: criteria provided, single submitter. Criteria: UK Practice Guidelines For Variant Classification V4 01 2020. Collection method: clinical testing. Allele origin: germline. Inheritance: Autosomal dominant inheritance. Affected: yes. Observed: 1 variant allele.
Comment: ACMG Criteria: PM1_STR,PM5,PS4_SUP,PM2_SUP,PP3,PP4

Blueprint Genetics
Classification: Likely pathogenic for COL4A3-related disorders. Last evaluated: 2024-08-06. Review status: criteria provided, single submitter. Criteria: ACMG Guidelines, 2015. Collection method: clinical testing. Allele origin: germline. Affected: yes. Observed: 2 variant alleles.

GeneDx
Classification: Likely pathogenic. Last evaluated: 2024-04-02. Review status: criteria provided, single submitter. Criteria: GeneDx Variant Classification Process June 2021. Collection method: clinical testing. Allele origin: germline. Affected: yes.
Comment: Not observed at significant frequency in large population cohorts (gnomAD); In silico analysis supports that this missense variant has a deleterious effect on protein structure/function; Has not been previously published as pathogenic or benign to our knowledge; Affects a glycine residue in a Gly-X-Y motif in the triple helical region of the COL4A3 gene, where the majority of pathogenic missense variants occur, and is predicted to disrupt normal protein folding and function (PMID: 10752524); This variant is associated with the following publications: (PMID: 10752524)

NM_000091.5(COL4A3):c.793G>A (p.Gly265Arg)

Genes: COL4A3 (collagen type IV alpha 3 chain; plus strand), MFF-DT (MFF divergent transcript; minus strand). Cytogenetic location: 2q36.3.
Variant type: single nucleotide variant.
Coding change: c.793G>A on transcript NM_000091.5 (MANE Select); coding-DNA position 793, G replaced by A.
Protein change: p.Gly265Arg; replaces glycine 265 with arginine.
Molecular consequence: missense variant.
Genome position (GRCh38, 1-based): chr2:227,254,139, G>A. VCF-style: chr2-227254139-G-A. GRCh37 (hg19) VCF-style: chr2-228118855-G-A.
Other names: p.(Gly265Arg); short protein forms G265R.
Identifiers: ClinVar variation 1696905 (VCV001696905.6), dbSNP rs374787000, ClinGen allele CA66622047.